The following is an entry in ClinVar:

NM_004055.5(CAPN5):c.787C>T (p.Arg263Cys)

Gene: CAPN5 (calpain 5; plus strand). Cytogenetic location: 11q13.5.
Variant type: single nucleotide variant.
Coding change: c.787C>T on transcript NM_004055.5 (MANE Select); coding-DNA position 787, C replaced by T.
Protein change: p.Arg263Cys; replaces arginine 263 with cysteine.
Molecular consequence: missense variant.
Genome position (GRCh38, 1-based): chr11:77,115,482, C>T. VCF-style: chr11-77115482-C-T. GRCh37 (hg19) VCF-style: chr11-76826528-C-T.
Other names: c.787C>T (NM_004055.4); short protein forms R263C.
Identifiers: ClinVar variation 1433933 (VCV001433933.12), dbSNP rs373951153, ClinGen allele CA6196558.

ClinVar aggregate classification (germline): Conflicting classifications of pathogenicity. Review status: criteria provided, conflicting classifications (1 of 4 stars). 4 submissions from 4 submitters: Uncertain significance (3); Benign (1). Last evaluated 2024-07-05.

Conditions:
Proliferative vitreoretinopathy. Also called: Vitreoretinopathy, neovascular inflammatory. Identifiers: Orphanet 329211, MedGen C0242852, MONDO:0700115, OMIM 193235.
Inborn genetic diseases. Identifiers: MedGen C0950123, MeSH D030342.

Allele frequency attached by ClinVar (database versions not stated): gnomAD 0.00005; gnomAD exomes 0.00005 and 0.00010; TOPMed 0.00006; ESP Exome Variant Server 0.00008; ExAC 0.00014.

Submissions (4):

Ambry Genetics
Classification: Uncertain significance for Inborn genetic diseases. Last evaluated: 2024-07-05. Review status: criteria provided, single submitter. Criteria: Ambry Variant Classification Scheme 2023. Collection method: clinical testing. Allele origin: germline.

Labcorp Genetics (formerly Invitae), Labcorp
Classification: Uncertain significance. Last evaluated: 2023-04-10. Review status: criteria provided, single submitter. Criteria: Invitae Variant Classification Sherloc (09022015). Collection method: clinical testing. Allele origin: germline.
Comment: In summary, the available evidence is currently insufficient to determine the role of this variant in disease. Therefore, it has been classified as a Variant of Uncertain Significance. Algorithms developed to predict the effect of sequence changes on RNA splicing suggest that this variant may disrupt the consensus splice site. Advanced modeling of protein sequence and biophysical properties (such as structural, functional, and spatial information, amino acid conservation, physicochemical variation, residue mobility, and thermodynamic stability) has been performed at Invitae for this missense variant, however the output from this modeling did not meet the statistical confidence thresholds required to predict the impact of this variant on CAPN5 protein function. ClinVar contains an entry for this variant (Variation ID: 1433933). This variant has not been reported in the literature in individuals affected with CAPN5-related conditions. This variant is present in population databases (rs373951153, gnomAD 0.07%), and has an allele count higher than expected for a pathogenic variant. This sequence change replaces arginine, which is basic and polar, with cysteine, which is neutral and slightly polar, at codon 263 of the CAPN5 protein (p.Arg263Cys).

Blueprint Genetics
Classification: Benign. Last evaluated: 2022-06-25. Review status: criteria provided, single submitter. Criteria: ACMG Guidelines, 2015. Collection method: clinical testing. Allele origin: germline.

Juno Genomics, Hangzhou Juno Genomics, Inc
Classification: Uncertain significance for Proliferative vitreoretinopathy. Review status: criteria provided, single submitter. Criteria: ACMG Guidelines, 2015. Collection method: clinical testing. Allele origin: germline.
Comment: Absent from controls (or at extremely low frequency if recessive) in Genome Aggregation Database.;Multiple lines of computational evidence support a deleterious effect on the gene or gene product.